The following is an entry in ClinVar:

NM_000152.5(GAA):c.1392G>C (p.Arg464Ser)

Gene: GAA (alpha glucosidase; plus strand). Cytogenetic location: 17q25.3.
Variant type: single nucleotide variant.
Coding change: c.1392G>C on transcript NM_000152.5 (MANE Select); coding-DNA position 1392, G replaced by C.
Protein change: p.Arg464Ser; replaces arginine 464 with serine.
Molecular consequence: missense variant.
Genome position (GRCh38, 1-based): chr17:80,110,010, G>C. VCF-style: chr17-80110010-G-C. GRCh37 (hg19) VCF-style: chr17-78083809-G-C.
Other names: NM_000152.5(GAA):c.1392G>C; p.Arg464Ser; c.1392G>C, p.Arg464Ser (NM_001079803.3, NM_001079804.3); c.1392G>C (LRG_673t1); short protein forms R464S.
Identifiers: ClinVar variation 432217 (VCV000432217.21), dbSNP rs372786811, ClinGen allele CA8815303.

ClinVar aggregate classification (germline): Uncertain significance. Review status: reviewed by expert panel (3 of 4 stars). 10 submissions from 10 submitters: Uncertain significance (1). 9 of the submissions do not count toward it. Last evaluated 2025-11-17.

Conditions:
Glycogen storage disease, type II (IOPD). Also called: Glycogen storage disease type 2; Acid maltase deficiency disease; Aglucosidase alfa; Deficiency of alpha-glucosidase; Deficiency of lysosomal alpha-glucosidase; Glucosidase acid-1,4-alpha deficiency. Identifiers: Orphanet 365, MedGen C0017921, MONDO:0009290, OMIM 232300.

Allele frequency attached by ClinVar (database versions not stated): ExAC 0.00003; gnomAD exomes 0.00007; TOPMed 0.00008; ESP Exome Variant Server 0.00015.
gnomAD v4.1: 237 of 1,613,246 alleles (0.015%); highest among the groups gnomAD compares: Non-Finnish European, 0.019%; no homozygotes.

Submissions (10):

ClinGen Lysosomal Storage Disorder Variant Curation Expert Panel
Classification: Uncertain significance for Glycogen storage disease, type II. Last evaluated: 2025-11-17. Review status: reviewed by expert panel. Criteria: clingen_lsd_acmg_specifications_v2-1. Collection method: curation. Allele origin: germline. Inheritance: Autosomal recessive inheritance.
Comment: The NM_000152.5c.1392G>C variant in GAA is a missense variant predicted to cause substitution of Arginine by Serine at amino acid 464 (p.Arg464Ser). The highest population minor allele frequency in gnomAD v4.1.0 is 0.00019 (219/1179922 alleles) in the European (non-Finnish) population, which is lower than the ClinGen LD VCEP’s threshold for PM2_Supporting (<0.001), meeting this criterion. The computational predictor REVEL gives a score of 0.631 which is neither above nor below the thresholds predicting a damaging (>0.7) or benign (<0.5) impact on GAA function. Another missense variant c.1390A>T, p.Arg464Trp in the same codon has been reported in a patient with Pompe disease (ClinVar Variation ID: 843677). However, this variant has not yet met the criteria to be classified as pathogenic or likely pathogenic by the ClinGen LD VCEP. There is a ClinVar entry for this variant (Variation ID: 432217, 3-star review status) with 6 submitters classifying the variant as Uncertain Significance and 1 submitter classifying the variant as Likely Pathogenic. In summary, this variant meets the criteria to be classified as Uncertain Significance for Pompe disease based on the ACMG/AMP criteria applied, as specified by the ClinGen Lysosomal Disease Variant Curation Expert Panel (Specifications Version 2.0): PM2_Supporting. (Classification approved by the ClinGen Lysosomal Disease Variant Curation Expert Panel on November 17, 2025)

Genomenon, Inc
Classification: Uncertain significance for Glycogen storage disease, type II. Last evaluated: 2026-07-01. Review status: criteria provided, single submitter. Criteria: Genomenon Sequence Variant Interpretation Standards - Updated. Collection method: curation. Allele origin: germline. Affected: no. Not counted in ClinVar's aggregate classification.
Comment: GAA p.Arg464Ser (c.1392G>C) is a missense variant that changes the amino acid at codon 464 from Arginine to Serine. This variant has been reported in the published literature (PMID:33202836;30281819;31228295). It is absent or not present at a significant frequency in gnomAD. In conclusion, we classify GAA p.Arg464Ser (c.1392G>C) as a variant of uncertain significance.

Women's Health and Genetics/Laboratory Corporation of America, LabCorp
Classification: Uncertain significance. Last evaluated: 2025-09-22. Review status: criteria provided, single submitter. Criteria: LabCorp Variant Classification Summary - May 2015. Collection method: clinical testing. Allele origin: germline. Not counted in ClinVar's aggregate classification.
Comment: Variant summary: GAA c.1392G>C (p.Arg464Ser) results in a non-conservative amino acid change in the encoded protein sequence. Algorithms developed to predict the effect of missense changes on protein structure and function are either unavailable or do not agree on the potential impact of this missense change. The variant allele was found at a frequency of 6.8e-05 in 250280 control chromosomes. This frequency is not significantly higher than estimated for disease-causing variants in GAA, allowing no conclusion about variant significance. c.1392G>C has been observed in an individual with a positive newborn screening result for Glycogen Storage Disease, Type 2 (Pompe Disease) (e.g. Ficicioglu_2020). This report does not provide unequivocal conclusions about association of the variant with Glycogen Storage Disease, Type 2. To our knowledge, no experimental evidence demonstrating an impact on protein function has been reported. The following publication has been ascertained in the context of this evaluation (PMID: 33202836). ClinVar contains an entry for this variant (Variation ID: 432217). Based on the evidence outlined above, the variant was classified as uncertain significance.

Revvity Omics, Revvity
Classification: Uncertain significance. Last evaluated: 2025-01-02. Review status: criteria provided, single submitter. Criteria: ACMG Guidelines, 2015. Collection method: clinical testing. Allele origin: germline. Not counted in ClinVar's aggregate classification.

Blueprint Genetics
Classification: Uncertain significance. Last evaluated: 2024-08-12. Review status: criteria provided, single submitter. Criteria: ACMG Guidelines, 2015. Collection method: clinical testing. Allele origin: germline. Not counted in ClinVar's aggregate classification.

Labcorp Genetics (formerly Invitae), Labcorp
Classification: Uncertain significance for Glycogen storage disease, type II. Last evaluated: 2022-08-22. Review status: criteria provided, single submitter. Criteria: Invitae Variant Classification Sherloc (09022015). Collection method: clinical testing. Allele origin: germline. Not counted in ClinVar's aggregate classification.
Comment: This sequence change replaces arginine, which is basic and polar, with serine, which is neutral and polar, at codon 464 of the GAA protein (p.Arg464Ser). This variant is present in population databases (rs372786811, gnomAD 0.01%). This missense change has been observed in individual(s) with a positive newborn screening result for GAA-related disease (PMID: 33202836). ClinVar contains an entry for this variant (Variation ID: 432217). Algorithms developed to predict the effect of missense changes on protein structure and function are either unavailable or do not agree on the potential impact of this missense change (SIFT: "Deleterious"; PolyPhen-2: "Possibly Damaging"; Align-GVGD: "Class C15"). In summary, the available evidence is currently insufficient to determine the role of this variant in disease. Therefore, it has been classified as a Variant of Uncertain Significance.

Genome-Nilou Lab
Classification: Uncertain significance for Glycogen storage disease, type II. Last evaluated: 2021-07-22. Review status: criteria provided, single submitter. Criteria: ACMG Guidelines, 2015. Collection method: clinical testing. Allele origin: germline. Affected: no. Not counted in ClinVar's aggregate classification.

Fulgent Genetics
Classification: Uncertain significance for Glycogen storage disease, type II. Last evaluated: 2018-10-31. Review status: criteria provided, single submitter. Criteria: ACMG Guidelines, 2015. Collection method: clinical testing. Allele origin: unknown. Not counted in ClinVar's aggregate classification.

GeneDx
Classification: Likely pathogenic. Last evaluated: 2018-08-14. Review status: criteria provided, single submitter. Criteria: GeneDx Variant Classification (06012015). Collection method: clinical testing. Allele origin: germline. Affected: yes. Not counted in ClinVar's aggregate classification.
Comment: The R464S variant has not been published as a pathogenic variant, nor has it been reported as a benign variant to our knowledge. The R464S variant is not observed at a significant frequency in large population cohorts (Lek et al., 2016). The R464S variant is a semi-conservative amino acid substitution, which may impact secondary protein structure as these residues differ in some properties. In-silico analyses, including protein predictors and evolutionary conservation, support a deleterious effect. Missense variants in nearby residues (D459N, G461S, L462P, V466F) have been reported in the Human Gene Mutation Database in association with Pompe disease (Stenson et al., 2014), supporting the functional importance of this region of the protein. In summary, this variant is likely pathogenic; however, the possibility that it is benign cannot be excluded.

Illumina Laboratory Services, Illumina
Classification: Uncertain significance for Glycogen storage disease, type II. Last evaluated: 2018-02-09. Review status: criteria provided, single submitter. Criteria: ICSL Variant Classification Criteria 13 December 2019. Collection method: clinical testing. Allele origin: germline. Not counted in ClinVar's aggregate classification.

Literature cited by the submitters: PubMed 33202836 (cited by 3 submitters); PubMed 30281819 (cited by Genomenon, Inc); PubMed 31228295 (cited by Genomenon, Inc).